The following is an entry in ClinVar:

NM_025114.4(CEP290):c.7386T>C (p.Ala2462=)

Genes: CEP290 (centrosomal protein 290; minus strand), RLIG1 (RNA 5'-phosphate and 3'-OH ligase 1; plus strand). Cytogenetic location: 12q21.32.
Variant type: single nucleotide variant.
Coding change: c.7386T>C on transcript NM_025114.4 (MANE Select); coding-DNA position 7386, T replaced by C.
Protein change: p.Ala2462=; no amino-acid change (alanine 2462 retained).
Molecular consequence: synonymous variant. On other transcripts: 3 prime UTR variant (1).
Genome position (GRCh38, 1-based): chr12:88,049,238, A>G on the plus strand (T>C on the coding strand, the complement: CEP290 is on the minus strand). VCF-style: chr12-88049238-A-G. GRCh37 (hg19) VCF-style: chr12-88443015-A-G.
Other names: c.*816A>G (NM_001009894.3).
Identifiers: ClinVar variation 5000986 (VCV005000986.1).

ClinVar aggregate classification (germline): Likely benign (1 of 4 stars; one submission).

Conditions:
CEP290-related disorder. Also called: CEP290-related condition; CEP290-related disorders. Identifiers: MedGen CN239314.

gnomAD v4.1: 2 of 1,608,786 alleles (0.00012%); highest among the groups gnomAD compares: Non-Finnish European, 0.00017%; no homozygotes.

Submission:

PreventionGenetics, part of Exact Sciences
Classification: Likely benign for CEP290-related condition. Last evaluated: 2024-12-31. Review status: criteria provided, single submitter. Criteria: ACMG Guidelines, 2015. Collection method: clinical testing. Allele origin: germline.
Comment: This variant is classified as likely benign based on ACMG/AMP sequence variant interpretation guidelines (Richards et al. 2015 PMID: 25741868, with internal and published modifications).